The following is an entry in ClinVar:

ClinVar aggregate classification (germline): Likely benign (1 of 4 stars; one submission).

Allele frequency attached by ClinVar (database versions not stated): ESP Exome Variant Server 0.00008; gnomAD exomes 0.00015; TOPMed 0.00017; gnomAD 0.00018; ExAC 0.00025.
gnomAD v4.1: 244 of 1,575,906 alleles (0.015%); highest among the groups gnomAD compares: Middle Eastern, 0.14%; 2 homozygotes.

Submission:

CeGaT Center for Human Genetics Tuebingen
Classification: Likely benign. Last evaluated: 2022-04-01. Review status: criteria provided, single submitter. Criteria: CeGaT Center For Human Genetics Tuebingen Variant Classification Criteria Version 2. Collection method: clinical testing. Allele origin: germline. Affected: yes. Observed: 1 variant allele.
Comment: PCNX1: BP4, BP7

NM_014982.3(PCNX1):c.51C>T (p.Leu17=)

Genes: PCNX1 (pecanex 1; plus strand), LOC130056009 (ATAC-STARR-seq lymphoblastoid silent region 5894; plus strand). Cytogenetic location: 14q24.2.
Variant type: single nucleotide variant.
Coding change: c.51C>T on transcript NM_014982.3 (MANE Select); coding-DNA position 51, C replaced by T.
Protein change: p.Leu17=; no amino-acid change (leucine 17 retained).
Molecular consequence: synonymous variant.
Genome position (GRCh38, 1-based): chr14:70,907,901, C>T. VCF-style: chr14-70907901-C-T. GRCh37 (hg19) VCF-style: chr14-71374618-C-T.
Other names: c.51C>T, p.Leu17= (NM_001308160.2).
Identifiers: ClinVar variation 2644348 (VCV002644348.24), dbSNP rs371986953, ClinGen allele CA7250499.